The following is an entry in ClinVar:

NM_000238.4(KCNH2):c.1697G>T (p.Cys566Phe)

Gene: KCNH2 (potassium voltage-gated channel subfamily H member 2; minus strand). Cytogenetic location: 7q36.1.
Variant type: single nucleotide variant.
Coding change: c.1697G>T on transcript NM_000238.4 (MANE Select); coding-DNA position 1697, G replaced by T.
Protein change: p.Cys566Phe; replaces cysteine 566 with phenylalanine.
Molecular consequence: missense variant.
Genome position (GRCh38, 1-based): chr7:150,951,696, C>A on the plus strand (G>T on the coding strand, the complement: KCNH2 is on the minus strand). VCF-style: chr7-150951696-C-A. GRCh37 (hg19) VCF-style: chr7-150648784-C-A.
Other names: c.1697G>T (LRG_288t1); c.677G>T, p.Cys226Phe (NM_001204798.2, NM_172057.3); c.1409G>T, p.Cys470Phe (NM_001406753.1, NM_001406756.1); c.1520G>T, p.Cys507Phe (NM_001406755.1); c.1397G>T, p.Cys466Phe (NM_001406757.1); c.1697G>T, p.Cys566Phe (NM_172056.3); short protein forms C226F, C566F, C507F, C466F, C470F.
Identifiers: ClinVar variation 67239 (VCV000067239.3), dbSNP rs199472925, ClinGen allele CA005154.
Genomic context (GRCh38, chr7:150,951,696, plus strand): 5'-AGCCAGCCGATGCGTGAGTCCATGTGTGGCTGCTCCATGTTGCCGATGGCGTACCAGATG[C>A]AGGCTAGCCAGTGCGCGATGAGCGCAAAGGTGCACATGAGCAAGAACAGCACGGCCGCGC-3'
Protein context (NP_000229.1, residues 556-576): TFALIAHWLA[Cys566Phe]IWYAIGNMEQ

ClinVar aggregate classification (germline): not provided (0 of 4 stars; one submission).

Conditions:
Familial long QT syndrome (RWS). Also called: Congenital long QT syndrome; Romano-Ward syndrome; VENTRICULAR FIBRILLATION WITH PROLONGED QT INTERVAL. Identifiers: Orphanet 768, MedGen C1141890, MONDO:0019171.

Submission:

Cardiovascular Biomedical Research Unit, Royal Brompton & Harefield NHS Foundation Trust
No classification provided. Condition: Familial long QT syndrome. Review status: no classification provided. Collection method: literature only. Allele origin: germline.
Comment: This variant has been reported as associated with Long QT syndrome in the following publications (PMID:18441445). This is a literature report, and does not necessarily reflect the clinical interpretation of the Imperial College / Royal Brompton Cardiovascular Genetics laboratory.

Literature cited by the submitters: PubMed 18441445; PubMed 22581653.